The following is an entry in ClinVar:

NM_001395002.1(MAP4K4):c.940G>A (p.Gly314Ser)

Gene: MAP4K4 (mitogen-activated protein kinase kinase kinase kinase 4; plus strand). Cytogenetic location: 2q11.2.
Variant type: single nucleotide variant.
Coding change: c.940G>A on transcript NM_001395002.1 (MANE Select); coding-DNA position 940, G replaced by A.
Protein change: p.Gly314Ser; replaces glycine 314 with serine.
Molecular consequence: missense variant. On other transcripts: non-coding transcript variant (4).
Genome position (GRCh38, 1-based): chr2:101,839,985, G>A. VCF-style: chr2-101839985-G-A. GRCh37 (hg19) VCF-style: chr2-102456447-G-A.
Other names: c.940G>A, p.Gly314Ser (NM_001242559.2, NM_001242560.2, NM_001384476.1 and 28 more transcripts); c.913G>A, p.Gly305Ser (NM_001384549.1, NM_001384550.1, NM_001384551.1 and 16 more transcripts); short protein forms G305S, G314S.
Identifiers: ClinVar variation 3343162 (VCV003343162.1).

ClinVar aggregate classification (germline): Uncertain significance (1 of 4 stars; one submission).

Submission:

GeneDx
Classification: Uncertain significance. Last evaluated: 2023-05-01. Review status: criteria provided, single submitter. Criteria: GeneDx Variant Classification Process June 2021. Collection method: clinical testing. Allele origin: germline. Affected: yes.
Comment: Not observed at significant frequency in large population cohorts (gnomAD); In silico analysis supports that this missense variant has a deleterious effect on protein structure/function; Has not been previously published as pathogenic or benign to our knowledge; Variants in candidate genes are classified as variants of uncertain significance in accordance with ACMG guidelines (Richards et al., 2015)